The following is an entry in ClinVar:

ClinVar aggregate classification (germline): Pathogenic (1 of 4 stars; one submission).

Conditions:
Telangiectasia, hereditary hemorrhagic, type 2 (HHT2). Also called: Telangiectasia, hereditary hemorrhagic, type II; ACVRL1-Related Hereditary Hemorrhagic Telangiectasia. Identifiers: Orphanet 774, MedGen C1838163, MONDO:0010880, OMIM 600376. Disease mechanism: loss of function.

Submission:

Labcorp Genetics (formerly Invitae), Labcorp
Classification: Pathogenic for Telangiectasia, hereditary hemorrhagic, type 2. Last evaluated: 2021-10-21. Review status: criteria provided, single submitter. Criteria: Invitae Variant Classification Sherloc (09022015). Collection method: clinical testing. Allele origin: germline.
Comment: For these reasons, this variant has been classified as Pathogenic. Algorithms developed to predict the effect of sequence changes on RNA splicing suggest that this variant may disrupt the consensus splice site. ClinVar contains an entry for this variant (Variation ID: 965472). This variant has not been reported in the literature in individuals affected with ACVRL1-related conditions. This variant is not present in population databases (gnomAD no frequency). This sequence change creates a premature translational stop signal (Splice site) in the ACVRL1 gene. It is expected to result in an absent or disrupted protein product. Loss-of-function variants in ACVRL1 are known to be pathogenic (PMID: 15879500).

Literature cited by the submitters: PubMed 15879500.

NM_000020.3(ACVRL1):c.1043_1048+1dup

Gene: ACVRL1 (activin A receptor like type 1; plus strand). Cytogenetic location: 12q13.13.
Variant type: Duplication.
Coding change: c.1043_1048+1dup on transcript NM_000020.3 (MANE Select); coding-DNA position 1043 through the canonical splice donor site of the intron after coding-DNA position 1048, 7 bases duplicated (ACCTGGG; older notation c.1043_1048+1dupACCTGGG).
Molecular consequence: splice donor variant.
Genome position (GRCh38, 1-based): chr12:51,915,495-51,915,501, ACCTGGG duplicated; duplicating any 7 consecutive bases within chr12:51,915,494-51,915,501 gives the same sequence; the c. name uses the placement nearest the transcript's 3' end. VCF-style (leftmost placement, unchanged base first): chr12-51915493-C-CGACCTGG. GRCh37 (hg19) VCF-style: chr12-52309277-C-CGACCTGG.
Other names: c.1043_1048+1dup (NM_001077401.2).
Identifiers: ClinVar variation 965472 (VCV000965472.7), dbSNP rs1940814079, ClinGen allele CA1139662705.